The following is an entry in ClinVar:

ClinVar aggregate classification (germline): Uncertain significance. Review status: criteria provided, multiple submitters, no conflicts (2 of 4 stars). 3 submissions from 3 submitters: Uncertain significance (3). Last evaluated 2024-09-26.

Conditions:
Catecholaminergic polymorphic ventricular tachycardia (CVPT). Also called: Catecholamine-induced polymorphic ventricular tachycardia. Identifiers: Orphanet 3286, MedGen C5574922, MONDO:0017990.
Catecholaminergic polymorphic ventricular tachycardia 1. Also called: VENTRICULAR TACHYCARDIA, CATECHOLAMINERGIC POLYMORPHIC, 1, WITH OR WITHOUT ATRIAL DYSFUNCTION AND/OR DILATED CARDIOMYOPATHY; RYR2-Related Catecholaminergic Polymorphic Ventricular Tachycardia; VENTRICULAR TACHYCARDIA, STRESS-INDUCED POLYMORPHIC 1. Identifiers: Orphanet 3286, MedGen C1631597, MONDO:0011484, OMIM 604772.
Cardiomyopathy (CMYO). Also called: Cardiomyopathies. Identifiers: Orphanet 167848, MedGen C0878544, MONDO:0004994, HP:0001638. Inheritance: Various modes of inheritance.

Allele frequency attached by ClinVar (database versions not stated): gnomAD exomes below 0.00001; ExAC 0.00001; gnomAD 0.00001; TOPMed 0.00001.

Submissions (3):

All of Us Research Program, National Institutes of Health
Classification: Uncertain significance for Catecholaminergic polymorphic ventricular tachycardia. Last evaluated: 2024-09-26. Review status: criteria provided, single submitter. Criteria: ACMG Guidelines, 2015. Collection method: clinical testing. Allele origin: germline. Inheritance: Autosomal dominant inheritance. Observed: 2 variant alleles, 2 heterozygotes.
Comment: This missense variant replaces valine with isoleucine at codon 360 of the RYR2 protein. Computational prediction suggests that this variant may not impact protein structure and function (internally defined REVEL score threshold <= 0.5, PMID: 27666373). To our knowledge, functional studies have not been reported for this variant. This variant has not been reported in individuals affected with cardiovascular disorders in the literature. This variant has been identified in 1/248814 chromosomes in the general population by the Genome Aggregation Database (gnomAD). The available evidence is insufficient to determine the role of this variant in disease conclusively. Therefore, this variant is classified as a Variant of Uncertain Significance.

This study involves interpretation of variants in research participants for the purpose of population health screening. Participant phenotype was not available at the time of variant classification. Additional details can be found in publication PMID: 35346344, PMCID: PMC8962531

Labcorp Genetics (formerly Invitae), Labcorp
Classification: Uncertain significance for Catecholaminergic polymorphic ventricular tachycardia 1. Last evaluated: 2024-09-09. Review status: criteria provided, single submitter. Criteria: Invitae Variant Classification Sherloc (09022015). Collection method: clinical testing. Allele origin: germline.
Comment: This sequence change replaces valine, which is neutral and non-polar, with isoleucine, which is neutral and non-polar, at codon 360 of the RYR2 protein (p.Val360Ile). This variant is present in population databases (rs773628016, gnomAD 0.0009%). This variant has not been reported in the literature in individuals affected with RYR2-related conditions. ClinVar contains an entry for this variant (Variation ID: 918436). Invitae Evidence Modeling of protein sequence and biophysical properties (such as structural, functional, and spatial information, amino acid conservation, physicochemical variation, residue mobility, and thermodynamic stability) indicates that this missense variant is not expected to disrupt RYR2 protein function with a negative predictive value of 95%. In summary, the available evidence is currently insufficient to determine the role of this variant in disease. Therefore, it has been classified as a Variant of Uncertain Significance.

Color Diagnostics, LLC DBA Color Health
Classification: Uncertain significance for Cardiomyopathy. Last evaluated: 2024-03-06. Review status: criteria provided, single submitter. Criteria: ACMG Guidelines, 2015. Collection method: clinical testing. Allele origin: germline.
Comment: This missense variant replaces valine with isoleucine at codon 360 of the RYR2 protein. Computational prediction suggests that this variant may not impact protein structure and function (internally defined REVEL score threshold <= 0.5, PMID: 27666373). To our knowledge, functional studies have not been reported for this variant. This variant has not been reported in individuals affected with RYR2-related disorders in the literature. This variant has been identified in 1/248814 chromosomes in the general population by the Genome Aggregation Database (gnomAD). The available evidence is insufficient to determine the role of this variant in disease conclusively. Therefore, this variant is classified as a Variant of Uncertain Significance.

NM_001035.3(RYR2):c.1078G>A (p.Val360Ile)

Gene: RYR2 (ryanodine receptor 2; plus strand). Cytogenetic location: 1q43.
Variant type: single nucleotide variant.
Coding change: c.1078G>A on transcript NM_001035.3 (MANE Select); coding-DNA position 1078, G replaced by A.
Protein change: p.Val360Ile; replaces valine 360 with isoleucine.
Molecular consequence: missense variant.
Genome position (GRCh38, 1-based): chr1:237,441,391, G>A. VCF-style: chr1-237441391-G-A. GRCh37 (hg19) VCF-style: chr1-237604691-G-A.
Other names: short protein forms V360I.
Identifiers: ClinVar variation 918436 (VCV000918436.9), dbSNP rs773628016, ClinGen allele CA084527.